The following is an entry in ClinVar:

NM_012281.3(KCND2):c.1195G>T (p.Ala399Ser)

Gene: KCND2 (potassium voltage-gated channel subfamily D member 2; plus strand). Cytogenetic location: 7q31.31.
Variant type: single nucleotide variant.
Coding change: c.1195G>T on transcript NM_012281.3 (MANE Select); coding-DNA position 1195, G replaced by T.
Protein change: p.Ala399Ser; replaces alanine 399 with serine.
Molecular consequence: missense variant.
Genome position (GRCh38, 1-based): chr7:120,732,982, G>T. VCF-style: chr7-120732982-G-T. GRCh37 (hg19) VCF-style: chr7-120373036-G-T.
Other names: c.1195G>T (NM_012281.2); short protein forms A399S.
Identifiers: ClinVar variation 2010802 (VCV002010802.5), dbSNP rs2485192775, ClinGen allele CA369134150.

ClinVar aggregate classification (germline): Uncertain significance. Review status: criteria provided, multiple submitters, no conflicts (2 of 4 stars). 2 submissions from 2 submitters: Uncertain significance (2). Last evaluated 2025-05-20.

Conditions:
Early Myoclonic Encephalopathy. Identifiers: MedGen C0270855.

Submissions (2):

GeneDx
Classification: Uncertain significance. Last evaluated: 2025-05-20. Review status: criteria provided, single submitter. Criteria: GeneDx Variant Classification Process June 2021. Collection method: clinical testing. Allele origin: germline. Affected: yes.
Comment: Not observed at significant frequency in large population cohorts (gnomAD); In silico analysis suggests that this missense variant does not alter protein structure/function; Has not been previously published as pathogenic or benign to our knowledge

Labcorp Genetics (formerly Invitae), Labcorp
Classification: Uncertain significance for Early Myoclonic Encephalopathy. Last evaluated: 2023-10-26. Review status: criteria provided, single submitter. Criteria: Invitae Variant Classification Sherloc (09022015). Collection method: clinical testing. Allele origin: germline.
Comment: This sequence change replaces alanine, which is neutral and non-polar, with serine, which is neutral and polar, at codon 399 of the KCND2 protein (p.Ala399Ser). This variant is not present in population databases (gnomAD no frequency). This variant has not been reported in the literature in individuals affected with KCND2-related conditions. ClinVar contains an entry for this variant (Variation ID: 2010802). Advanced modeling of protein sequence and biophysical properties (such as structural, functional, and spatial information, amino acid conservation, physicochemical variation, residue mobility, and thermodynamic stability) has been performed at Invitae for this missense variant, however the output from this modeling did not meet the statistical confidence thresholds required to predict the impact of this variant on KCND2 protein function. In summary, the available evidence is currently insufficient to determine the role of this variant in disease. Therefore, it has been classified as a Variant of Uncertain Significance.